The following is an entry in ClinVar:

NM_001371623.1(TCOF1):c.1276C>G (p.Gln426Glu)

Gene: TCOF1 (treacle ribosome biogenesis factor 1; plus strand). Cytogenetic location: 5q32.
Variant type: single nucleotide variant.
Coding change: c.1276C>G on transcript NM_001371623.1 (MANE Select); coding-DNA position 1276, C replaced by G.
Protein change: p.Gln426Glu; replaces glutamine 426 with glutamic acid.
Molecular consequence: missense variant.
Genome position (GRCh38, 1-based): chr5:150,374,809, C>G. VCF-style: chr5-150374809-C-G. GRCh37 (hg19) VCF-style: chr5-149754372-C-G.
Other names: c.1045C>G, p.Gln349Glu (NM_000356.4, NM_001135245.2); c.1276C>G, p.Gln426Glu (NM_001008657.3, NM_001135243.2, NM_001135244.2 and 1 more transcripts); short protein forms Q349E, Q426E.
Identifiers: ClinVar variation 2428895 (VCV002428895.3), dbSNP rs1763358511, ClinGen allele CA361745039.

ClinVar aggregate classification (germline): Uncertain significance (1 of 4 stars; one submission).

Allele frequency attached by ClinVar (database versions not stated): gnomAD exomes below 0.00001; TOPMed below 0.00001; gnomAD 0.00001.
gnomAD v4.1: 3 of 1,606,108 alleles (0.00019%); highest among the groups gnomAD compares: Non-Finnish European, 0.00025%; no homozygotes.

Submission:

GeneDx
Classification: Uncertain significance. Last evaluated: 2022-08-04. Review status: criteria provided, single submitter. Criteria: GeneDx Variant Classification Process June 2021. Collection method: clinical testing. Allele origin: germline. Affected: yes.
Comment: In silico analysis supports that this missense variant does not alter protein structure/function; Has not been previously published as pathogenic or benign to our knowledge